The following is an entry in ClinVar:

ClinVar aggregate classification (germline): Conflicting classifications of pathogenicity. Review status: criteria provided, conflicting classifications (1 of 4 stars). 3 submissions from 3 submitters: Uncertain significance (1); Benign (1); Likely benign (1). Last evaluated 2026-01-27.

Conditions:
Deafness-encephaloneuropathy-obesity-valvulopathy syndrome. Identifiers: Orphanet 254898, MedGen C3553354, MONDO:0013837, OMIM 614651.

Allele frequency attached by ClinVar (database versions not stated): 1000 Genomes Project 0.00040; ExAC 0.00050; 1000 Genomes Project 30x 0.00062; gnomAD 0.00099; TOPMed 0.00115.
gnomAD v4.1: 500 of 456,226 alleles (0.11%); highest among the groups gnomAD compares: Non-Finnish European, 0.18%; 2 homozygotes.

Submissions (3):

Labcorp Genetics (formerly Invitae), Labcorp
Classification: Likely benign. Last evaluated: 2026-01-27. Review status: criteria provided, single submitter. Criteria: Invitae Variant Classification Sherloc (09022015). Collection method: clinical testing. Allele origin: germline.

Illumina Laboratory Services, Illumina
Classification: Uncertain significance for Deafness-encephaloneuropathy-obesity-valvulopathy syndrome. Last evaluated: 2018-01-12. Review status: criteria provided, single submitter. Criteria: ICSL Variant Classification Criteria 13 December 2019. Collection method: clinical testing. Allele origin: germline.

GeneDx
Classification: Benign. Last evaluated: 2015-05-18. Review status: criteria provided, single submitter. Criteria: GeneDx Variant Classification (06012015). Collection method: clinical testing. Allele origin: germline. Affected: yes.
Comment: This variant is considered likely benign or benign based on one or more of the following criteria: it is a conservative change, it occurs at a poorly conserved position in the protein, it is predicted to be benign by multiple in silico algorithms, and/or has population frequency not consistent with disease.

NM_014317.5(PDSS1):c.130-10G>T

Gene: PDSS1 (decaprenyl diphosphate synthase subunit 1; plus strand). Cytogenetic location: 10p12.1.
Variant type: single nucleotide variant.
Coding change: c.130-10G>T on transcript NM_014317.5 (MANE Select); 10 bases into the intron before coding-DNA position 130, G replaced by T.
Molecular consequence: intron variant.
Genome position (GRCh38, 1-based): chr10:26,702,152, G>T. VCF-style: chr10-26702152-G-T. GRCh37 (hg19) VCF-style: chr10-26991081-G-T.
Other names: c.-464-10G>T (NM_001321979.2); c.130-10G>T (NM_001321978.2).
Identifiers: ClinVar variation 299695 (VCV000299695.12), dbSNP rs551306397, ClinGen allele CA5446861.